The following is an entry in ClinVar:

NM_001128126.3(AP4S1):c.306+50G>C

Gene: AP4S1 (adaptor related protein complex 4 subunit sigma 1; plus strand). Cytogenetic location: 14q12.
Variant type: single nucleotide variant.
Coding change: c.306+50G>C on transcript NM_001128126.3 (MANE Select); 50 bases into the intron after coding-DNA position 306, G replaced by C.
Molecular consequence: intron variant. On other transcripts: missense variant (2).
Genome position (GRCh38, 1-based): chr14:31,080,634, G>C. VCF-style: chr14-31080634-G-C. GRCh37 (hg19) VCF-style: chr14-31549840-G-C.
Other names: c.356G>C, p.Gly119Ala (NM_001254727.2, NM_007077.5); c.306+50G>C (NM_001254729.2, NM_001254728.2); c.295-4135G>C (NM_001254726.2); short protein forms G119A.
Identifiers: ClinVar variation 1012144 (VCV001012144.8), dbSNP rs1315033150, ClinGen allele CA389361697.

ClinVar aggregate classification (germline): Uncertain significance (1 of 4 stars; one submission).

Conditions:
Spastic paraplegia. Identifiers: MedGen C0037772, HP:0001258.

gnomAD v4.1: 3 of 1,612,782 alleles (0.00019%); highest among the groups gnomAD compares: South Asian, 0.0011%; no homozygotes.

Submission:

Labcorp Genetics (formerly Invitae), Labcorp
Classification: Uncertain significance for Spastic paraplegia. Last evaluated: 2020-09-08. Review status: criteria provided, single submitter. Criteria: Invitae Variant Classification Sherloc (09022015). Collection method: clinical testing. Allele origin: germline.
Comment: This variant has not been reported in the literature in individuals with AP4S1-related conditions. In summary, the available evidence is currently insufficient to determine the role of this variant in disease. Therefore, it has been classified as a Variant of Uncertain Significance. Algorithms developed to predict the effect of missense changes on protein structure and function (SIFT, PolyPhen-2, Align-GVGD) all suggest that this variant is likely to be tolerated, but these predictions have not been confirmed by published functional studies and their clinical significance is uncertain. This variant is not present in population databases (ExAC no frequency). This sequence change replaces glycine with alanine at codon 119 of the AP4S1 protein (p.Gly119Ala). The glycine residue is weakly conserved and there is a small physicochemical difference between glycine and alanine.